The following is an entry in ClinVar:

NM_003190.5(TAPBP):c.359A>G (p.Asp120Gly)

Gene: TAPBP (TAP binding protein; minus strand). Cytogenetic location: 6p21.32.
Variant type: single nucleotide variant.
Coding change: c.359A>G on transcript NM_003190.5 (MANE Select); coding-DNA position 359, A replaced by G.
Protein change: p.Asp120Gly; replaces aspartic acid 120 with glycine.
Molecular consequence: missense variant. On other transcripts: intron variant (1).
Genome position (GRCh38, 1-based): chr6:33,313,327, T>C on the plus strand (A>G on the coding strand, the complement: TAPBP is on the minus strand). VCF-style: chr6-33313327-T-C. GRCh37 (hg19) VCF-style: chr6-33281104-T-C.
Other names: c.359A>G, p.Asp120Gly (NM_001410875.1, NM_172208.3); c.208+367A>G (NM_172209.3); short protein forms D120G.
Identifiers: ClinVar variation 2897637 (VCV002897637.3), dbSNP rs1769505002, ClinGen allele CA363620895.
Genomic context (GRCh38, chr6:33,313,327, plus strand): 5'-CGCAAGAGGCTGGAGAGGCTGAGGACTGGGCTGGATATGCTGACCATCAGCCAAGCCCCA[T>C]CCAGGGCCCGCGGGCAGTTCTGCGCGGGGGTCAGGCCGCTGGCCCATTTCGCAGAGGCGG-3'
Protein context (NP_003181.3, residues 110-130): TPAQNCPRAL[Asp120Gly]GAWLMVSISS

ClinVar aggregate classification (germline): Uncertain significance (1 of 4 stars; one submission).

Conditions:
MHC class I deficiency. Identifiers: Orphanet 34592, MedGen C6024714, MONDO:0011476.

Allele frequency attached by ClinVar (database versions not stated): TOPMed below 0.00001.
gnomAD v4.1: 4 of 1,613,462 alleles (0.00025%); highest among the groups gnomAD compares: African/African-American, 0.004%; no homozygotes.

Submission:

Labcorp Genetics (formerly Invitae), Labcorp
Classification: Uncertain significance for MHC class I deficiency 1. Last evaluated: 2024-10-26. Review status: criteria provided, single submitter. Criteria: Invitae Variant Classification Sherloc (09022015). Collection method: clinical testing. Allele origin: germline.
Comment: This sequence change replaces aspartic acid, which is acidic and polar, with glycine, which is neutral and non-polar, at codon 120 of the TAPBP protein (p.Asp120Gly). This variant is not present in population databases (gnomAD no frequency). This variant has not been reported in the literature in individuals affected with TAPBP-related conditions. An algorithm developed to predict the effect of missense changes on protein structure and function (PolyPhen-2) suggests that this variant is likely to be disruptive. In summary, the available evidence is currently insufficient to determine the role of this variant in disease. Therefore, it has been classified as a Variant of Uncertain Significance.